The following is an entry in ClinVar:

NM_000091.5(COL4A3):c.4255C>A (p.Pro1419Thr)

Genes: COL4A3 (collagen type IV alpha 3 chain; plus strand), MFF-DT (MFF divergent transcript; minus strand). Cytogenetic location: 2q36.3.
Variant type: single nucleotide variant.
Coding change: c.4255C>A on transcript NM_000091.5 (MANE Select); coding-DNA position 4255, C replaced by A.
Protein change: p.Pro1419Thr; replaces proline 1419 with threonine.
Molecular consequence: missense variant.
Genome position (GRCh38, 1-based): chr2:227,307,712, C>A. VCF-style: chr2-227307712-C-A. GRCh37 (hg19) VCF-style: chr2-228172428-C-A.
Other names: short protein forms P1419T.
Identifiers: ClinVar variation 1043123 (VCV001043123.7), dbSNP rs2073566607, ClinGen allele CA350864107.
Genomic context (GRCh38, chr2:227,307,712, plus strand): 5'-AAAAAACGAGTTTAAGATTTTTGTGTATGTTGCAACATTTAGAATGTGTTTTTTGAAGGA[C>A]CAGCTGGATCAGATGGATTGCCAGGTTTGAAAGGAAAACGTGGAGACAGTGGATCACCTG-3'
Protein context (NP_000082.2, residues 1409-1429): GNKGSKGEPG[Pro1419Thr]AGSDGLPGLK

ClinVar aggregate classification (germline): Uncertain significance. Review status: criteria provided, single submitter (1 of 4 stars). 2 submissions from 2 submitters: Uncertain significance (1). 1 of the submissions does not count toward it. Last evaluated 2021-08-24.

Conditions:
Alport syndrome. Also called: Hemorrhagic familial nephritis; Hemorrhagic hereditary nephritis; Congenital hereditary hematuria. Identifiers: Orphanet 63, MedGen C1567741, MONDO:0018965.

Allele frequency attached by ClinVar (database versions not stated): gnomAD exomes below 0.00001.
gnomAD v4.1: 1 of 1,613,872 alleles (0.000062%); highest among the groups gnomAD compares: Non-Finnish European, 0.000085%; no homozygotes.

Submissions (2):

Labcorp Genetics (formerly Invitae), Labcorp
Classification: Uncertain significance. Last evaluated: 2021-08-24. Review status: criteria provided, single submitter. Criteria: Invitae Variant Classification Sherloc (09022015). Collection method: clinical testing. Allele origin: germline.
Comment: This sequence change replaces proline with threonine at codon 1419 of the COL4A3 protein (p.Pro1419Thr). The proline residue is weakly conserved and there is a small physicochemical difference between proline and threonine. This variant is not present in population databases (ExAC no frequency). This variant has not been reported in the literature in individuals affected with COL4A3-related conditions. Algorithms developed to predict the effect of missense changes on protein structure and function are either unavailable or do not agree on the potential impact of this missense change (SIFT: "Tolerated"; PolyPhen-2: "Not Available"; Align-GVGD: "Class C0"). In summary, the available evidence is currently insufficient to determine the role of this variant in disease. Therefore, it has been classified as a Variant of Uncertain Significance.

Natera, Inc.
Classification: Uncertain significance for Alport syndrome. Last evaluated: 2021-10-09. Review status: no assertion criteria provided. Collection method: clinical testing. Allele origin: germline. Not counted in ClinVar's aggregate classification.